The following is an entry in ClinVar:

ClinVar aggregate classification (germline): Uncertain significance (1 of 4 stars; one submission).

Conditions:
Hereditary cancer-predisposing syndrome. Also called: Neoplastic Syndromes, Hereditary; Tumor predisposition; Hereditary Cancer Syndrome; Hereditary neoplastic syndrome. Identifiers: Orphanet 140162, MedGen C0027672, MeSH D009386, MONDO:0015356.

Submission:

Ambry Genetics
Classification: Uncertain significance for Hereditary cancer-predisposing syndrome. Last evaluated: 2021-11-12. Review status: criteria provided, single submitter. Criteria: Ambry Variant Classification Scheme 2023. Collection method: clinical testing. Allele origin: germline.
Comment: The p.M58V variant (also known as c.172A>G), located in coding exon 1 of the FLCN gene, results from an A to G substitution at nucleotide position 172. The methionine at codon 58 is replaced by valine, an amino acid with highly similar properties. This amino acid position is poorly conserved in available vertebrate species. In addition, this alteration is predicted to be tolerated by in silico analysis. Since supporting evidence is limited at this time, the clinical significance of this alteration remains unclear.

NM_144997.7(FLCN):c.172A>G (p.Met58Val)

Gene: FLCN (folliculin; minus strand). Cytogenetic location: 17p11.2.
Variant type: single nucleotide variant.
Coding change: c.172A>G on transcript NM_144997.7 (MANE Select); coding-DNA position 172, A replaced by G.
Protein change: p.Met58Val; replaces methionine 58 with valine.
Molecular consequence: missense variant.
Genome position (GRCh38, 1-based): chr17:17,227,966, T>C on the plus strand (A>G on the coding strand, the complement: FLCN is on the minus strand). VCF-style: chr17-17227966-T-C. GRCh37 (hg19) VCF-style: chr17-17131280-T-C.
Other names: c.172A>G, p.Met58Val (NM_001353229.2, NM_001353230.2, NM_001353231.2 and 1 more transcripts); short protein forms M58V.
Identifiers: ClinVar variation 1778935 (VCV001778935.2), dbSNP rs2145043248, ClinGen allele CA398535174.
Genomic context (GRCh38, chr17:17,227,966, plus strand): 5'-TTTTGGGCCCCGGGCTGCTGGACTCGACGCTGGCCCCCTCTGCGGGGCTGTGCGCACGCA[T>C]CCGACTGTTCATCTGAATGCCACCTTCCTCTTCTTCCGCCTGCTCACCCTGGCCAGGACT-3'
Protein context (NP_659434.2, residues 48-68): EEGGIQMNSR[Met58Val]RAHSPAEGAS